The following is an entry in ClinVar:

NM_001009944.3(PKD1):c.8327_8330del (p.Leu2776fs)

Gene: PKD1 (polycystin 1, transient receptor potential channel interacting; minus strand). Cytogenetic location: 16p13.3.
Variant type: Deletion.
Coding change: c.8327_8330del on transcript NM_001009944.3 (MANE Select); coding-DNA positions 8327 to 8330, 4 bases deleted (TGGC; older notation c.8327_8330delTGGC).
Protein change: p.Leu2776fs; shifts the reading frame from leucine 2776.
Molecular consequence: frameshift variant.
Genome position (GRCh38, 1-based): chr16:2,103,727-2,103,730, GCCA deleted on the plus strand (TGGC on the coding strand, the reverse complement: PKD1 is on the minus strand); deleting any 4 consecutive bases within chr16:2,103,727-2,103,732 gives the same sequence; the c. name uses the placement nearest the transcript's 3' end. VCF-style (leftmost placement, unchanged base first): chr16-2103726-CGCCA-C. GRCh37 (hg19) VCF-style: chr16-2153727-CGCCA-C.
Other names: c.8327_8330del, p.Leu2776fs (NM_000296.4); short protein forms L2776fs.
Identifiers: ClinVar variation 3899343 (VCV003899343.2).

ClinVar aggregate classification (germline): Pathogenic (1 of 4 stars; one submission).

Conditions:
Polycystic kidney disease, adult type (PKD1). Also called: POLYCYSTIC KIDNEY DISEASE 1 WITH OR WITHOUT POLYCYSTIC LIVER DISEASE; POLYCYSTIC KIDNEY DISEASE, ADULT, TYPE I; Polycystic Kidney Disease 1, Autosomal Dominant; Polycystic kidney disease 1; Polycystic kidney disease 1, severe; Polycystic Kidney, Autosomal Dominant. Identifiers: MedGen C3149841, MONDO:0008263, OMIM 173900.

Submission:

Juno Genomics, Hangzhou Juno Genomics, Inc
Classification: Pathogenic for Polycystic kidney disease, adult type. Review status: criteria provided, single submitter. Criteria: ACMG Guidelines, 2015. Collection method: clinical testing. Allele origin: germline. Affected: yes.
Comment: Absent from controls (or at extremely low frequency if recessive) in Genome Aggregation Database, Exome Sequencing Project, 1000 Genomes Project, or Exome Aggregation Consortium.;Null variant in a gene where loss of function (LOF) is a known mechanism of disease.;The prevalence of the variant in affected individuals is significantly increased compared to the prevalence in controls.;Patient's phenotype or family history is highly specific for a disease with a single genetic etiology.